The following is an entry in ClinVar:

NM_002226.5(JAG2):c.2889C>T (p.Ser963=)

Gene: JAG2 (jagged canonical Notch ligand 2; minus strand). Cytogenetic location: 14q32.33.
Variant type: single nucleotide variant.
Coding change: c.2889C>T on transcript NM_002226.5 (MANE Select); coding-DNA position 2889, C replaced by T.
Protein change: p.Ser963=; no amino-acid change (serine 963 retained).
Molecular consequence: synonymous variant.
Genome position (GRCh38, 1-based): chr14:105,145,794, G>A on the plus strand (C>T on the coding strand, the complement: JAG2 is on the minus strand). VCF-style: chr14-105145794-G-A. GRCh37 (hg19) VCF-style: chr14-105612131-G-A.
Other names: c.2775C>T, p.Ser925= (NM_145159.3).
Identifiers: ClinVar variation 3051483 (VCV003051483.2), dbSNP rs148885540, ClinGen allele CA7385419.

ClinVar aggregate classification (germline): Likely benign (0 of 4 stars; one submission).

Conditions:
JAG2-related disorder. Also called: JAG2-related condition.

Allele frequency attached by ClinVar (database versions not stated): gnomAD exomes 0.00017; ExAC 0.00089; 1000 Genomes Project 30x 0.00109; 1000 Genomes Project 0.00120; gnomAD 0.00175; ESP Exome Variant Server 0.00193; TOPMed 0.00198.
gnomAD v4.1: 511 of 1,575,104 alleles (0.032%); highest among the groups gnomAD compares: African/African-American, 0.57%; 1 homozygote.

Submission:

PreventionGenetics, part of Exact Sciences
Classification: Likely benign for JAG2-related condition. Last evaluated: 2020-02-24. Review status: no assertion criteria provided. Collection method: clinical testing. Allele origin: germline.
Comment: This variant is classified as likely benign based on ACMG/AMP sequence variant interpretation guidelines (Richards et al. 2015 PMID: 25741868, with internal and published modifications).